The following is an entry in ClinVar:

NM_031885.5(BBS2):c.947G>A (p.Gly316Asp)

Gene: BBS2 (Bardet-Biedl syndrome 2; minus strand). Cytogenetic location: 16q13.
Variant type: single nucleotide variant.
Coding change: c.947G>A on transcript NM_031885.5 (MANE Select); coding-DNA position 947, G replaced by A.
Protein change: p.Gly316Asp; replaces glycine 316 with aspartic acid.
Molecular consequence: missense variant. On other transcripts: non-coding transcript variant (5).
Genome position (GRCh38, 1-based): chr16:56,502,450, C>T on the plus strand (G>A on the coding strand, the complement: BBS2 is on the minus strand). VCF-style: chr16-56502450-C-T. GRCh37 (hg19) VCF-style: chr16-56536362-C-T.
Other names: c.947G>A, p.Gly316Asp (NM_001377456.1); short protein forms G316D.
Identifiers: ClinVar variation 1704601 (VCV001704601.2), dbSNP rs376736472, ClinGen allele CA395980896.
Genomic context (GRCh38, chr16:56,502,450, plus strand): 5'-TCCTGCTCTGCACTGGTGTCCATGAGGTTGCCCCTCATCTCAGCCGTGCCAGGCAGGTAG[C>T]CCCGGACTGAACAGAAGGAAAAAACCGCAAGTATAACCAGGTATACTTTTAGGTCATCAA-3'
Protein context (NP_114091.4, residues 306-326): ICCSVDGEIR[Gly316Asp]YLPGTAEMRG

ClinVar aggregate classification (germline): Uncertain significance (1 of 4 stars; one submission).

Submission:

Women's Health and Genetics/Laboratory Corporation of America, LabCorp
Classification: Uncertain significance. Last evaluated: 2024-10-28. Review status: criteria provided, single submitter. Criteria: LabCorp Variant Classification Summary - May 2015. Collection method: clinical testing. Allele origin: germline.
Comment: Variant summary: BBS2 c.947G>A (p.Gly316Asp) results in a non-conservative amino acid change located in the ciliary BBSome complex subunit 2, C-terminal domain of the encoded protein sequence. Five of five in-silico tools predict a damaging effect of the variant on protein function. The variant was absent in 251360 control chromosomes. c.947G>A has been reported in the literature in a homozygous individual affected with Bardet-Biedl Syndrome (Janssen_2011). These data indicate that the variant may be associated with disease. To our knowledge, no experimental evidence demonstrating an impact on protein function has been reported. The following publications have been ascertained in the context of this evaluation (PMID: 21052717, 25541840). ClinVar contains an entry for this variant (Variation ID: 1704601). Based on the evidence outlined above, the variant was classified as VUS-possibly pathogenic.

Literature cited by the submitters: PubMed 21052717; PubMed 25541840.